The following is an entry in ClinVar:

NM_004006.3(DMD):c.2714T>C (p.Met905Thr)

Gene: DMD (dystrophin; minus strand). Cytogenetic location: Xp21.1.
Variant type: single nucleotide variant.
Coding change: c.2714T>C on transcript NM_004006.3 (MANE Select); coding-DNA position 2714, T replaced by C.
Protein change: p.Met905Thr; replaces methionine 905 with threonine.
Molecular consequence: missense variant.
Genome position (GRCh38, 1-based): chrX:32,485,008, A>G on the plus strand (T>C on the coding strand, the complement: DMD is on the minus strand). VCF-style: chrX-32485008-A-G. GRCh37 (hg19) VCF-style: chrX-32503125-A-G.
Other names: c.2690T>C, p.Met897Thr (NM_000109.4); c.2702T>C, p.Met901Thr (NM_004009.3); c.2345T>C, p.Met782Thr (NM_004010.3); short protein forms M905T, M897T, M901T, M782T.
Identifiers: ClinVar variation 526041 (VCV000526041.7), dbSNP rs1454170307, ClinGen allele CA412670824.

ClinVar aggregate classification (germline): Uncertain significance. Review status: criteria provided, single submitter (1 of 4 stars). 2 submissions from 2 submitters: Uncertain significance (1). 1 of the submissions does not count toward it. Last evaluated 2021-09-01.

Conditions:
Dystrophin deficiency.
Cardiomyopathy (CMYO). Also called: Cardiomyopathies. Identifiers: Orphanet 167848, MedGen C0878544, MONDO:0004994, HP:0001638. Inheritance: Various modes of inheritance.
Becker muscular dystrophy (BMD). Also called: Becker Muscular Dystrophy (BMD); MUSCULAR DYSTROPHY, PSEUDOHYPERTROPHIC PROGRESSIVE, BECKER TYPE. Identifiers: Orphanet 98895, MedGen C0917713, MONDO:0010311, OMIM 300376.
Duchenne muscular dystrophy (DMD). Also called: Duchenne Muscular Dystrophy (DMD); MUSCULAR DYSTROPHY, PSEUDOHYPERTROPHIC PROGRESSIVE, DUCHENNE TYPE. Identifiers: Orphanet 98896, MedGen C0013264, MONDO:0010679, OMIM 310200.

gnomAD v4.1: 1 of 1,211,573 alleles (0.000083%); highest among the groups gnomAD compares: Non-Finnish European, 0.00011%; no homozygotes.

Submissions (2):

Labcorp Genetics (formerly Invitae), Labcorp
Classification: Uncertain significance for Duchenne muscular dystrophy. Last evaluated: 2021-09-01. Review status: criteria provided, single submitter. Criteria: Invitae Variant Classification Sherloc (09022015). Collection method: clinical testing. Allele origin: germline.
Comment: This sequence change replaces methionine with threonine at codon 905 of the DMD protein (p.Met905Thr). The methionine residue is moderately conserved and there is a moderate physicochemical difference between methionine and threonine. This variant is not present in population databases (ExAC no frequency). This variant has not been reported in the literature in individuals affected with DMD-related conditions. Algorithms developed to predict the effect of missense changes on protein structure and function (SIFT, PolyPhen-2, Align-GVGD) all suggest that this variant is likely to be tolerated. In summary, the available evidence is currently insufficient to determine the role of this variant in disease. Therefore, it has been classified as a Variant of Uncertain Significance.

Natera, Inc.
Classification: Uncertain significance for Becker muscular dystrophy; Cardiomyopathy; Duchenne muscular dystrophy; Dystrophin deficiency. Last evaluated: 2020-12-22. Review status: no assertion criteria provided. Collection method: clinical testing. Allele origin: germline. Not counted in ClinVar's aggregate classification.